The following is an entry in ClinVar:

ClinVar aggregate classification (germline): Uncertain significance (1 of 4 stars; one submission).

Allele frequency attached by ClinVar (database versions not stated): gnomAD 0.00001; TOPMed 0.00003.

Submission:

Labcorp Genetics (formerly Invitae), Labcorp
Classification: Uncertain significance. Last evaluated: 2023-02-16. Review status: criteria provided, single submitter. Criteria: Invitae Variant Classification Sherloc (09022015). Collection method: clinical testing. Allele origin: germline.
Comment: This variant is not present in population databases (gnomAD no frequency). This variant has not been reported in the literature in individuals affected with CACNA1F-related conditions. Advanced modeling of protein sequence and biophysical properties (such as structural, functional, and spatial information, amino acid conservation, physicochemical variation, residue mobility, and thermodynamic stability) performed at Invitae indicates that this missense variant is not expected to disrupt CACNA1F protein function. In summary, the available evidence is currently insufficient to determine the role of this variant in disease. Therefore, it has been classified as a Variant of Uncertain Significance. This sequence change replaces asparagine, which is neutral and polar, with serine, which is neutral and polar, at codon 1524 of the CACNA1F protein (p.Asn1524Ser).

NM_001256789.3(CACNA1F):c.4538A>G (p.Asn1513Ser)

Genes: CACNA1F (calcium voltage-gated channel subunit alpha1 F; minus strand), LOC126863257 (BRD4-independent group 4 enhancer GRCh37_chrX:49065732-49066931; plus strand). Cytogenetic location: Xp11.23.
Variant type: single nucleotide variant.
Coding change: c.4538A>G on transcript NM_001256789.3 (MANE Select); coding-DNA position 4538, A replaced by G.
Protein change: p.Asn1513Ser; replaces asparagine 1513 with serine.
Molecular consequence: missense variant.
Genome position (GRCh38, 1-based): chrX:49,210,351, T>C on the plus strand (A>G on the coding strand, the complement: CACNA1F is on the minus strand). VCF-style: chrX-49210351-T-C. GRCh37 (hg19) VCF-style: chrX-49066811-T-C.
Other names: c.4376A>G, p.Asn1459Ser (NM_001256790.3); c.4571A>G, p.Asn1524Ser (NM_005183.4); short protein forms N1513S, N1524S, N1459S.
Identifiers: ClinVar variation 2881593 (VCV002881593.3), dbSNP rs2065643971, ClinGen allele CA412960788.